The following is an entry in ClinVar:

ClinVar aggregate classification (germline): Likely pathogenic. Review status: criteria provided, multiple submitters, no conflicts (2 of 4 stars). 2 submissions from 2 submitters: Likely pathogenic (2). Last evaluated 2017-07-31.

Conditions:
Cardiomyopathy (CMYO). Also called: Cardiomyopathies. Identifiers: Orphanet 167848, MedGen C0878544, MONDO:0004994, HP:0001638. Inheritance: Various modes of inheritance.

Submissions (2):

CHEO Genetics Diagnostic Laboratory, Children's Hospital of Eastern Ontario
Classification: Likely pathogenic for Cardiomyopathy. Last evaluated: 2017-07-31. Review status: criteria provided, single submitter. Criteria: ACMG Guidelines, 2015. Collection method: clinical testing. Allele origin: germline. Study: Canadian Open Genetics Repository.

GeneDx
Classification: Likely pathogenic. Last evaluated: 2017-04-17. Review status: criteria provided, single submitter. Criteria: GeneDx Variant Classification (06012015). Collection method: clinical testing. Allele origin: germline. Affected: yes.
Comment: The S26378X variant in the TTN gene has not been reported previously as a pathogenic variant nor as a benign variant, to our knowledge. This variant is predicted to cause loss of normal protein function either through protein truncation or nonsense-mediated mRNA decay. Other nonsense variants in the TTN gene have been reported in Human Gene Mutation Database in association with dilated cardiomyopathy and myopathy (Stenson et al., 2014). Furthermore, S26378X is located in the A-band region of TTN, where the majority of truncating pathogenic variants associated with DCM have been reported (Herman et al., 2012). Additionally, the S26378X variant is not observed in large population cohorts (Lek et al., 2016; 1000 Genomes Consortium et al., 2015; Exome Variant Server). Nevertheless, this variant lacks observation in a significant number of affected individuals, segregation data, and functional evidence, which would further clarify its pathogenicity. We interpret S26378X as a likely pathogenic variant.

NM_001267550.2(TTN):c.84056C>A (p.Ser28019Ter)

Genes: TTN (titin; minus strand), TTN-AS1 (TTN antisense RNA 1; plus strand). Cytogenetic location: 2q31.2.
Variant type: single nucleotide variant.
Coding change: c.84056C>A on transcript NM_001267550.2 (MANE Select); coding-DNA position 84056, C replaced by A.
Protein change: p.Ser28019Ter; replaces serine 28019 with a stop codon.
Molecular consequence: nonsense.
Genome position (GRCh38, 1-based): chr2:178,562,076, G>T on the plus strand (C>A on the coding strand, the complement: TTN is on the minus strand). VCF-style: chr2-178562076-G-T. GRCh37 (hg19) VCF-style: chr2-179426803-G-T.
Other names: c.79133C>A, p.Ser26378Ter (NM_001256850.1); c.56861C>A, p.Ser18954Ter (NM_003319.4); c.76352C>A, p.Ser25451Ter (NM_133378.4); c.57236C>A, p.Ser19079Ter (NM_133432.3); c.57437C>A, p.Ser19146Ter (NM_133437.4); short protein forms S26378*, S28019*, S25451*, S19079*, S18954*, S19146*.
Identifiers: ClinVar variation 426430 (VCV000426430.4), dbSNP rs769665204, ClinGen allele CA349562639.